The following is an entry in ClinVar:

NM_015404.4(WHRN):c.2418+3G>A

Gene: WHRN (whirlin; minus strand). Cytogenetic location: 9q32.
Variant type: single nucleotide variant.
Coding change: c.2418+3G>A on transcript NM_015404.4 (MANE Select); 3 bases into the intron after coding-DNA position 2418, G replaced by A.
Molecular consequence: intron variant.
Genome position (GRCh38, 1-based): chr9:114,403,893, C>T on the plus strand (G>A on the coding strand, the complement: WHRN is on the minus strand). VCF-style: chr9-114403893-C-T. GRCh37 (hg19) VCF-style: chr9-117166173-C-T.
Other names: c.2415+3G>A (NM_001173425.2); c.1269+3G>A (NM_001083885.3); c.1365+3G>A (NM_001346890.1).
Identifiers: ClinVar variation 228552 (VCV000228552.5), dbSNP rs876657772, ClinGen allele CA10576741.
Genomic context (GRCh38, chr9:114,403,893, plus strand): 5'-CCCATTCTGTGCCTGGGGCCCGTGTTCCTCTCAGCCCTCTGCATCCTCCTCCTCCTGGCT[C>T]ACCGGTTTGTTGGCCCCATCTGTGGGCCTCTCGTTCCGAGGCAGCTCCTTGCTACTCCTG-3'

ClinVar aggregate classification (germline): Uncertain significance (1 of 4 stars; one submission).

Allele frequency attached by ClinVar (database versions not stated): gnomAD exomes below 0.00001.
gnomAD v4.1: 7 of 1,610,402 alleles (0.00043%); highest among the groups gnomAD compares: Non-Finnish European, 0.00051%; no homozygotes.

Submission:

Laboratory for Molecular Medicine, Mass General Brigham Personalized Medicine
Classification: Uncertain significance. Last evaluated: 2016-01-15. Review status: criteria provided, single submitter. Criteria: LMM Criteria. Collection method: clinical testing. Allele origin: germline. Observed: 1 variant allele.
Comment: The c.2418+3G>A variant in DFNB31 has not been previously reported in individual s with hearing loss or Usher syndrome or in large population studies. This varia nt is located in the 5' splice region. Computational tools do not suggest an imp act to splicing. However, this information is not predictive enough to rule out pathogenicity. In summary, the clinical significance of the c.2418+3G>A variant is uncertain.